The following is an entry in ClinVar:

NM_005360.5(MAF):c.779G>C (p.Arg260Pro)

Gene: MAF (MAF bZIP transcription factor; minus strand). Cytogenetic location: 16q23.2.
Variant type: single nucleotide variant.
Coding change: c.779G>C on transcript NM_005360.5 (MANE Select); coding-DNA position 779, G replaced by C.
Protein change: p.Arg260Pro; replaces arginine 260 with proline.
Molecular consequence: missense variant.
Genome position (GRCh38, 1-based): chr16:79,599,124, C>G on the plus strand (G>C on the coding strand, the complement: MAF is on the minus strand). VCF-style: chr16-79599124-C-G. GRCh37 (hg19) VCF-style: chr16-79633021-C-G.
Other names: c.779G>C, p.Arg260Pro (NM_001031804.3); short protein forms R260P.
Identifiers: ClinVar variation 3343770 (VCV003343770.1).

ClinVar aggregate classification (germline): Uncertain significance (1 of 4 stars; one submission).

Submission:

GeneDx
Classification: Uncertain significance. Last evaluated: 2023-05-31. Review status: criteria provided, single submitter. Criteria: GeneDx Variant Classification Process June 2021. Collection method: clinical testing. Allele origin: germline. Affected: yes.
Comment: Not observed at significant frequency in large population cohorts (gnomAD); In silico analysis supports that this missense variant has a deleterious effect on protein structure/function; Has not been previously published as pathogenic or benign to our knowledge